The following is an entry in ClinVar:

NM_145064.3(STAC3):c.392G>C (p.Cys131Ser)

Gene: STAC3 (SH3 and cysteine rich domain 3; minus strand). Cytogenetic location: 12q13.3.
Variant type: single nucleotide variant.
Coding change: c.392G>C on transcript NM_145064.3 (MANE Select); coding-DNA position 392, G replaced by C.
Protein change: p.Cys131Ser; replaces cysteine 131 with serine.
Molecular consequence: missense variant. On other transcripts: intron variant (1).
Genome position (GRCh38, 1-based): chr12:57,248,746, C>G on the plus strand (G>C on the coding strand, the complement: STAC3 is on the minus strand). VCF-style: chr12-57248746-C-G. GRCh37 (hg19) VCF-style: chr12-57642529-C-G.
Other names: c.275G>C, p.Cys92Ser (NM_001286256.2); c.-126-548G>C (NM_001286257.2); short protein forms C131S, C92S.
Identifiers: ClinVar variation 1715243 (VCV001715243.6), dbSNP rs2548120633, ClinGen allele CA385415939.

ClinVar aggregate classification (germline): Uncertain significance (1 of 4 stars; one submission).

Conditions:
Bailey-Bloch congenital myopathy (CMYO13). Also called: Native American myopathy; STAC3 disorder; Congenital myopathy 13. Identifiers: Orphanet 168572, MedGen C1850625, MONDO:0009722, OMIM 255995.

Submission:

Labcorp Genetics (formerly Invitae), Labcorp
Classification: Uncertain significance for Bailey-Bloch congenital myopathy. Last evaluated: 2022-07-15. Review status: criteria provided, single submitter. Criteria: Invitae Variant Classification Sherloc (09022015). Collection method: clinical testing. Allele origin: germline.
Comment: This sequence change replaces cysteine, which is neutral and slightly polar, with serine, which is neutral and polar, at codon 131 of the STAC3 protein (p.Cys131Ser). This variant is not present in population databases (gnomAD no frequency). This variant has not been reported in the literature in individuals affected with STAC3-related conditions. Algorithms developed to predict the effect of missense changes on protein structure and function (SIFT, PolyPhen-2, Align-GVGD) all suggest that this variant is likely to be disruptive. In summary, the available evidence is currently insufficient to determine the role of this variant in disease. Therefore, it has been classified as a Variant of Uncertain Significance.